The following is an entry in ClinVar:

NM_000548.5(TSC2):c.1303C>A (p.His435Asn)

Gene: TSC2 (TSC complex subunit 2; plus strand). Cytogenetic location: 16p13.3.
Variant type: single nucleotide variant.
Coding change: c.1303C>A on transcript NM_000548.5 (MANE Select); coding-DNA position 1303, C replaced by A.
Protein change: p.His435Asn; replaces histidine 435 with asparagine.
Molecular consequence: missense variant.
Genome position (GRCh38, 1-based): chr16:2,062,542, C>A. VCF-style: chr16-2062542-C-A. GRCh37 (hg19) VCF-style: chr16-2112543-C-A.
Other names: c.1303C>A, p.His435Asn (NM_001077183.3, NM_001114382.3, NM_001363528.2 and 3 more transcripts); c.1192C>A, p.His398Asn (NM_001318827.2); c.1156C>A, p.His386Asn (NM_001318829.2); c.703C>A, p.His235Asn (NM_001318831.2); c.1336C>A, p.His446Asn (NM_001318832.2); short protein forms H235N, H446N, H386N, H435N, H398N.
Identifiers: ClinVar variation 660330 (VCV000660330.9), dbSNP rs760896048, ClinGen allele CA394322177.
Genomic context (GRCh38, chr16:2,062,542, plus strand): 5'-CTCTTCTTTTGACAGGAGTCCTCCCTCCTGAACCTGATCTCCTATAGAGCGCAGTCCATC[C>A]ACCCGGCCAAGGACGGCTGGATTCAGAACCTGCAGGCGCTGATGGAGAGATTCTTCAGGT-3'
Protein context (NP_000539.2, residues 425-445): NLISYRAQSI[His435Asn]PAKDGWIQNL

ClinVar aggregate classification (germline): Uncertain significance. Review status: criteria provided, multiple submitters, no conflicts (2 of 4 stars). 2 submissions from 2 submitters: Uncertain significance (2). Last evaluated 2024-07-29.

Conditions:
Tuberous sclerosis syndrome (TSC). Also called: Tuberous Sclerosis Complex; Tuberous sclerosis. Identifiers: Orphanet 805, MedGen C0041341, MONDO:0001734.
Tuberous sclerosis 2 (TSC2). Identifiers: Orphanet 805, MedGen C1860707, MONDO:0013199, OMIM 613254.

Submissions (2):

All of Us Research Program, National Institutes of Health
Classification: Uncertain significance for Tuberous sclerosis syndrome. Last evaluated: 2024-07-29. Review status: criteria provided, single submitter. Criteria: ACMG Guidelines, 2015. Collection method: clinical testing. Allele origin: germline. Inheritance: Autosomal dominant inheritance. Observed: 1 variant allele, 1 heterozygote.
Comment: This missense variant replaces histidine with asparagine at codon 435 of the TSC2 protein. Computational prediction suggests that this variant may not impact protein structure and function. To our knowledge, functional studies have not been reported for this variant. This variant has not been reported in individuals affected with TSC2-related disorders in the literature. This variant has not been identified in the general population by the Genome Aggregation Database (gnomAD). The available evidence is insufficient to determine the role of this variant in disease conclusively. Therefore, this variant is classified as a Variant of Uncertain Significance.

This study involves interpretation of variants in research participants for the purpose of population health screening. Participant phenotype was not available at the time of variant classification. Additional details can be found in publication PMID: 35346344, PMCID: PMC8962531

Labcorp Genetics (formerly Invitae), Labcorp
Classification: Uncertain significance for Tuberous sclerosis 2. Last evaluated: 2022-03-23. Review status: criteria provided, single submitter. Criteria: Invitae Variant Classification Sherloc (09022015). Collection method: clinical testing. Allele origin: germline.
Comment: This sequence change replaces histidine, which is basic and polar, with asparagine, which is neutral and polar, at codon 435 of the TSC2 protein (p.His435Asn). This variant is not present in population databases (gnomAD no frequency). In summary, the available evidence is currently insufficient to determine the role of this variant in disease. Therefore, it has been classified as a Variant of Uncertain Significance. Advanced modeling of protein sequence and biophysical properties (such as structural, functional, and spatial information, amino acid conservation, physicochemical variation, residue mobility, and thermodynamic stability) performed at Invitae indicates that this missense variant is not expected to disrupt TSC2 protein function. ClinVar contains an entry for this variant (Variation ID: 660330). This variant has not been reported in the literature in individuals affected with TSC2-related conditions.